The following is an entry in ClinVar:

NM_000363.5(TNNI3):c.295C>A (p.Gln99Lys)

Gene: TNNI3 (troponin I3, cardiac type; minus strand). Cytogenetic location: 19q13.42.
Variant type: single nucleotide variant.
Coding change: c.295C>A on transcript NM_000363.5 (MANE Select); coding-DNA position 295, C replaced by A.
Protein change: p.Gln99Lys; replaces glutamine 99 with lysine.
Molecular consequence: missense variant.
Genome position (GRCh38, 1-based): chr19:55,154,818, G>T on the plus strand (C>A on the coding strand, the complement: TNNI3 is on the minus strand). VCF-style: chr19-55154818-G-T. GRCh37 (hg19) VCF-style: chr19-55666186-G-T.
Other names: short protein forms Q99K.
Identifiers: ClinVar variation 4615114 (VCV004615114.1).

ClinVar aggregate classification (germline): Uncertain significance (1 of 4 stars; one submission).

Conditions:
Cardiovascular phenotype. Identifiers: MedGen CN230736.

Submission:

Ambry Genetics
Classification: Uncertain significance for Cardiovascular phenotype. Last evaluated: 2025-09-28. Review status: criteria provided, single submitter. Criteria: Ambry Variant Classification Scheme 2023. Collection method: clinical testing. Allele origin: germline.
Comment: The p.Q99K variant (also known as c.295C>A), located in coding exon 6 of the TNNI3 gene, results from a C to A substitution at nucleotide position 295. The glutamine at codon 99 is replaced by lysine, an amino acid with similar properties. This amino acid position is conserved. In addition, this alteration is predicted to be tolerated by in silico analysis. Based on the available evidence, the clinical significance of this variant remains unclear.